The following is an entry in ClinVar:

ClinVar aggregate classification (germline): Pathogenic/Likely pathogenic. Review status: criteria provided, multiple submitters, no conflicts (2 of 4 stars). 2 submissions from 2 submitters: Pathogenic (1); Likely pathogenic (1). Last evaluated 2024-09-27.

Conditions:
Mucopolysaccharidosis, MPS-IV-B (MPS4B). Also called: Mucopolysaccharidosis type IV B; Mucopolysaccharidosis Type IVB; Mucopolysaccharidosis type 4B; Mucopolysaccharidosis type IVB (Morquio); MPS IVB; MORQUIO SYNDROME B. Identifiers: Orphanet 309310, Orphanet 582, MedGen C0086652, MONDO:0009660, OMIM 253010.
GM1 gangliosidosis. Identifiers: Orphanet 354, MedGen C0085131, MONDO:0018149.

Submissions (2):

Natera, Inc.
Classification: Likely pathogenic for Mucopolysaccharidosis, MPS-IV-B. Last evaluated: 2024-09-27. Review status: criteria provided, single submitter. Criteria: Natera Variant Classification Schema (03/2026). Collection method: clinical testing. Allele origin: germline.
Comment: The c.964_965del variant in GLB1 is a frameshift variant predicted to shift the reading frame beginning at codon 322 and leads to a stop codon 12 codons downstream. This variant is expected to result in nonsense mediated decay, truncation, or a dysfunctional protein product. This variant is rare in the general population with a frequency below the threshold expected for the associated phenotype(s). Given the available evidence, this variant is classified as Likely Pathogenic.

Labcorp Genetics (formerly Invitae), Labcorp
Classification: Pathogenic for Mucopolysaccharidosis, MPS-IV-B; GM1 gangliosidosis. Last evaluated: 2023-08-14. Review status: criteria provided, single submitter. Criteria: Invitae Variant Classification Sherloc (09022015). Collection method: clinical testing. Allele origin: germline.
Comment: This sequence change creates a premature translational stop signal (p.Ser322Thrfs*12) in the GLB1 gene. It is expected to result in an absent or disrupted protein product. Loss-of-function variants in GLB1 are known to be pathogenic (PMID: 18524657). This variant is not present in population databases (gnomAD no frequency). This variant has not been reported in the literature in individuals affected with GLB1-related conditions. ClinVar contains an entry for this variant (Variation ID: 1075170). For these reasons, this variant has been classified as Pathogenic.

Literature cited by the submitters: PubMed 18524657 (cited by Labcorp Genetics (formerly Invitae), Labcorp).

NM_000404.4(GLB1):c.964_965del (p.Ser322fs)

Gene: GLB1 (galactosidase beta 1; minus strand). Cytogenetic location: 3p22.3.
Variant type: Deletion.
Coding change: c.964_965del on transcript NM_000404.4 (MANE Select); coding-DNA positions 964 to 965, 2 bases deleted (TC; older notation c.964_965delTC).
Protein change: p.Ser322fs; shifts the reading frame from serine 322.
Molecular consequence: frameshift variant.
Genome position (GRCh38, 1-based): chr3:33,046,223-33,046,224, GA deleted on the plus strand (TC on the coding strand, the reverse complement: GLB1 is on the minus strand); deleting any 2 consecutive bases within chr3:33,046,223-33,046,225 gives the same sequence; the c. name uses the placement nearest the transcript's 3' end. VCF-style (leftmost placement, unchanged base first): chr3-33046222-TGA-T. GRCh37 (hg19) VCF-style: chr3-33087714-TGA-T.
Other names: c.964_965del (NM_000404.3); c.874_875del, p.Ser292fs (NM_001079811.3); c.571_572del, p.Ser191fs (NM_001135602.3); c.1108_1109del, p.Ser370fs (NM_001317040.2); short protein forms S191fs, S292fs, S322fs, S370fs.
Identifiers: ClinVar variation 1075170 (VCV001075170.6), dbSNP rs1698734900, ClinGen allele CA1355998447.